The following is an entry in ClinVar:

ClinVar aggregate classification (germline): Benign (1 of 4 stars; one submission).

Allele frequency attached by ClinVar (database versions not stated): gnomAD 0.15280 and 0.16098; TOPMed 0.17357; 1000 Genomes Project 0.19529; 1000 Genomes Project 30x 0.20378.
gnomAD v4.1: 23,085 of 152,200 alleles (15%); highest among the groups gnomAD compares: African/African-American, 47%; 4,864 homozygotes.

Submission:

GeneDx
Classification: Benign. Last evaluated: 2018-06-14. Review status: criteria provided, single submitter. Criteria: GeneDx Variant Classification (06012015). Collection method: clinical testing. Allele origin: germline. Affected: yes.
Comment: This variant is considered likely benign or benign based on one or more of the following criteria: it is a conservative change, it occurs at a poorly conserved position in the protein, it is predicted to be benign by multiple in silico algorithms, and/or has population frequency not consistent with disease.

NM_001065.4(TNFRSF1A):c.39+303A>G

Gene: TNFRSF1A (TNF receptor superfamily member 1A; minus strand). Cytogenetic location: 12p13.31.
Variant type: single nucleotide variant.
Coding change: c.39+303A>G on transcript NM_001065.4 (MANE Select); 303 bases into the intron after coding-DNA position 39, A replaced by G.
Molecular consequence: intron variant.
Genome position (GRCh38, 1-based): chr12:6,341,473, T>C on the plus strand (A>G on the coding strand, the complement: TNFRSF1A is on the minus strand). VCF-style: chr12-6341473-T-C. GRCh37 (hg19) VCF-style: chr12-6450639-T-C.
Other names: c.-132+303A>G (NM_001346091.2); c.-539+303A>G (NM_001346092.2).
Identifiers: ClinVar variation 669762 (VCV000669762.1), dbSNP rs4149622, ClinGen allele CA13612646.